The following is an entry in ClinVar:

NM_001035.3(RYR2):c.12313C>T (p.Leu4105Phe)

Gene: RYR2 (ryanodine receptor 2; plus strand). Cytogenetic location: 1q43.
Variant type: single nucleotide variant.
Coding change: c.12313C>T on transcript NM_001035.3 (MANE Select); coding-DNA position 12313, C replaced by T.
Protein change: p.Leu4105Phe; replaces leucine 4105 with phenylalanine.
Molecular consequence: missense variant.
Genome position (GRCh38, 1-based): chr1:237,784,025, C>T. VCF-style: chr1-237784025-C-T. GRCh37 (hg19) VCF-style: chr1-237947325-C-T.
Other names: short protein forms L4105F.
Identifiers: ClinVar variation 1805708 (VCV001805708.4), dbSNP rs1413565928, ClinGen allele CA345412943.

ClinVar aggregate classification (germline): Conflicting classifications of pathogenicity. Review status: criteria provided, conflicting classifications (1 of 4 stars). 3 submissions from 3 submitters: Likely pathogenic (2); Uncertain significance (1). Last evaluated 2025-08-14.

Conditions:
Catecholaminergic polymorphic ventricular tachycardia 1. Also called: VENTRICULAR TACHYCARDIA, CATECHOLAMINERGIC POLYMORPHIC, 1, WITH OR WITHOUT ATRIAL DYSFUNCTION AND/OR DILATED CARDIOMYOPATHY; RYR2-Related Catecholaminergic Polymorphic Ventricular Tachycardia; VENTRICULAR TACHYCARDIA, STRESS-INDUCED POLYMORPHIC 1. Identifiers: Orphanet 3286, MedGen C1631597, MONDO:0011484, OMIM 604772.

Submissions (3):

Variantyx, Inc.
Classification: Likely pathogenic for Catecholaminergic polymorphic ventricular tachycardia 1. Last evaluated: 2025-08-14. Review status: criteria provided, single submitter. Criteria: Variantyx Assertion Criteria 2022. Collection method: clinical testing. Allele origin: germline. Inheritance: Autosomal dominant inheritance. Affected: yes.
Comment: This is a nonsynonymous variant in the RYR2 gene (OMIM: 180902). Pathogenic variants in this gene have been associated with autosomal dominant catecholaminergic polymorphic ventricular tachycardia 1. This variant has been reported in at least one affected individual (PMID: 29434162) (PS4). It lies within a known hotspot for pathogenic variants or a well-established critical functional domain of the RYR2 protein (PM1) and multiple computational algorithms predict a deleterious effect for this variant (REVEL score: 0.807) (PP3). This variant is absent from control populations (PM2). Based on the current evidence, this variant is classified as likely pathogenic for autosomal dominant catecholaminergic polymorphic ventricular tachycardia 1.

GeneDx
Classification: Uncertain significance. Last evaluated: 2025-04-16. Review status: criteria provided, single submitter. Criteria: GeneDx Variant Classification Process June 2021. Collection method: clinical testing. Allele origin: germline.
Comment: In silico analysis supports that this missense variant has a deleterious effect on protein structure/function; Not observed at significant frequency in large population cohorts (gnomAD); Located in one of the three hot-spot regions of the RYR2 gene, where the majority of pathogenic missense variants occur (PMID: 19926015); This variant is associated with the following publications: (PMID: 18849218, 24025405, 23595086, 29434162, 32152366, 19926015)

Victorian Clinical Genetics Services, Murdoch Childrens Research Institute
Classification: Likely pathogenic for Catecholaminergic polymorphic ventricular tachycardia 1. Last evaluated: 2020-07-02. Review status: criteria provided, single submitter. Criteria: ACMG Guidelines, 2015. Collection method: clinical testing. Allele origin: germline. Inheritance: Autosomal dominant inheritance. Affected: yes.
Comment: Based on the classification scheme VCGS_Germline_v1.1.1, this variant is classified as 4-Likely Pathogenic. Following criteria are met: 0101 - Gain-of-function is a known mechanism of disease for this gene (PMID: 19926015). (N) 0107 - This gene is known to be associated with autosomal dominant disease. (N) 0200 - Variant is predicted to result in a missense amino acid change from leucine to phenylalanine (exon 90). (N) 0251 - Variant is heterozygous. (N) 0301 - Variant is absent from gnomAD. (P) 0309 - An alternative amino acid change to isoleucine at the same position has been observed in gnomAD (v2: 1 heterozygote, 0 homozygotes). (N) 0501 - Missense variant consistently predicted to be damaging by multiple in-silico tools or highly conserved with a major amino acid change. (P) 0602 - Variant is located in a hotspot region or cluster of pathogenic variants (Domain III - Channel Region; PMID: 19926015). (P) 0705 - No comparable variants have previous evidence for pathogenicity. (N) 0802 - Moderate previous evidence of pathogenicity in unrelated individuals. The variant has been previously reported in patients with catecholaminergic polymorphic ventricular tachycardia (PMID: 18849218, 23595086). (P) 0905 - No segregation evidence has been identified for this variant. (N) 1007 - No published functional evidence has been identified for this variant. (N) 1208 - Inheritance information for this variant is not currently available. (N) Legend: (P) - Pathogenic, (N) - Neutral, (B) - Benign

Literature cited by the submitters: PubMed 29434162 (cited by Variantyx, Inc.); PubMed 18849218 (cited by Victorian Clinical Genetics Services, Murdoch Childrens Research Institute); PubMed 19926015 (cited by Victorian Clinical Genetics Services, Murdoch Childrens Research Institute); PubMed 23595086 (cited by Victorian Clinical Genetics Services, Murdoch Childrens Research Institute).